The following is an entry in ClinVar:

NM_001365536.1(SCN9A):c.3489C>A (p.Phe1163Leu)

Genes: SCN9A (sodium voltage-gated channel alpha subunit 9; minus strand), SCN1A-AS1 (SCN1A and SCN9A antisense RNA 1; plus strand). Cytogenetic location: 2q24.3.
Variant type: single nucleotide variant.
Coding change: c.3489C>A on transcript NM_001365536.1 (MANE Select); coding-DNA position 3489, C replaced by A.
Protein change: p.Phe1163Leu; replaces phenylalanine 1163 with leucine.
Molecular consequence: missense variant.
Genome position (GRCh38, 1-based): chr2:166,242,640, G>T on the plus strand (C>A on the coding strand, the complement: SCN9A is on the minus strand). VCF-style: chr2-166242640-G-T. GRCh37 (hg19) VCF-style: chr2-167099150-G-T.
Other names: c.3456C>A, p.Phe1152Leu (NM_002977.4); short protein forms F1152L, F1163L.
Identifiers: ClinVar variation 1025362 (VCV001025362.9), dbSNP rs1695618661, ClinGen allele CA349070733.
Genomic context (GRCh38, chr2:166,242,640, plus strand): 5'-TTTCCTGATGTTCCACCAGATTTTTCCTTTCCCTGACTCTATGTTAACTTGGCAGCATGA[G>T]AACCTCCATACACAACCTGACAAGAAAGACATGCATGTTAAATCTTGATATTCAGAATAA-3'
Protein context (NP_001352465.1, residues 1153-1173): ACFTDGCVWR[Phe1163Leu]SCCQVNIESG

ClinVar aggregate classification (germline): Uncertain significance (1 of 4 stars; one submission).

Conditions:
Neuropathy, hereditary sensory and autonomic, type 2A (HSAN2A). Also called: MORVAN DISEASE; NEUROPATHY, CONGENITAL SENSORY; NEUROPATHY, HEREDITARY SENSORY RADICULAR, AUTOSOMAL RECESSIVE; NEUROPATHY, HEREDITARY SENSORY, TYPE IIA; NEUROPATHY, PROGRESSIVE SENSORY, OF CHILDREN; WNK1-Related HSAN2 (HSAN2A). Identifiers: Orphanet 970, MedGen C2752089, MONDO:0024309, OMIM 201300.
Generalized epilepsy with febrile seizures plus, type 7 (GEFSP7). Also called: GEFS+, TYPE 7. Identifiers: Orphanet 36387, MedGen C2751778, MONDO:0013470, OMIM 613863.

Allele frequency attached by ClinVar (database versions not stated): gnomAD exomes below 0.00001.
gnomAD v4.1: 1 of 1,550,916 alleles (0.000064%); highest among the groups gnomAD compares: Non-Finnish European, 0.000087%; no homozygotes.

Submission:

Labcorp Genetics (formerly Invitae), Labcorp
Classification: Uncertain significance for Neuropathy, hereditary sensory and autonomic, type 2A; Generalized epilepsy with febrile seizures plus, type 7. Last evaluated: 2020-10-12. Review status: criteria provided, single submitter. Criteria: Invitae Variant Classification Sherloc (09022015). Collection method: clinical testing. Allele origin: germline.
Comment: In summary, the available evidence is currently insufficient to determine the role of this variant in disease. Therefore, it has been classified as a Variant of Uncertain Significance. Algorithms developed to predict the effect of missense changes on protein structure and function output the following: SIFT: "Deleterious"; PolyPhen-2: "Benign"; Align-GVGD: "Class C15". The leucine amino acid residue is found in multiple mammalian species, suggesting that this missense change does not adversely affect protein function. These predictions have not been confirmed by published functional studies and their clinical significance is uncertain. This variant has not been reported in the literature in individuals with SCN9A-related conditions. This variant is not present in population databases (ExAC no frequency). This sequence change replaces phenylalanine with leucine at codon 1152 of the SCN9A protein (p.Phe1152Leu). The phenylalanine residue is highly conserved and there is a small physicochemical difference between phenylalanine and leucine.